The following is an entry in ClinVar:

NM_004456.5(EZH2):c.1410+19A>G

Gene: EZH2 (enhancer of zeste 2 polycomb repressive complex 2 subunit; minus strand). Cytogenetic location: 7q36.1.
Variant type: single nucleotide variant.
Coding change: c.1410+19A>G on transcript NM_004456.5 (MANE Select); 19 bases into the intron after coding-DNA position 1410, A replaced by G.
Molecular consequence: intron variant.
Genome position (GRCh38, 1-based): chr7:148,817,203, T>C on the plus strand (A>G on the coding strand, the complement: EZH2 is on the minus strand). VCF-style: chr7-148817203-T-C. GRCh37 (hg19) VCF-style: chr7-148514295-T-C.
Other names: c.1368+19A>G (NM_001203248.2, NM_001203249.2); c.1278+19A>G (NM_152998.3); c.1395+19A>G (NM_001203247.2).
Identifiers: ClinVar variation 391625 (VCV000391625.8), dbSNP rs916007011, ClinGen allele CA16605159.
Genomic context (GRCh38, chr7:148,817,203, plus strand): 5'-TTTCTTTGTTTGGACAACGAGTACAGTTTTATCTCTATGTTTGAAGCTCTTTTAACAACA[T>C]TTTTATCGGATATCTTACCTGTCTACATGTTTTGGTCCCAATTAACCTAGCAATGGCACA-3'

ClinVar aggregate classification (germline): Likely benign. Review status: criteria provided, multiple submitters, no conflicts (2 of 4 stars). 2 submissions from 2 submitters: Likely benign (2). Last evaluated 2022-09-23.

Conditions:
Weaver syndrome (WVS). Also called: Weaver Smith syndrome; Overgrowth syndrome with accelerated skeletal maturation, unusual facies, and camptodactyly. Identifiers: Orphanet 3447, MedGen C0265210, MONDO:0010193, OMIM 277590.

Allele frequency attached by ClinVar (database versions not stated): gnomAD below 0.00001 and 0.00001; TOPMed below 0.00001; gnomAD exomes 0.00002.
gnomAD v4.1: 11 of 1,601,900 alleles (0.00069%); highest among the groups gnomAD compares: East Asian, 0.013%; no homozygotes.

Submissions (2):

Labcorp Genetics (formerly Invitae), Labcorp
Classification: Likely benign for Weaver syndrome. Last evaluated: 2022-09-23. Review status: criteria provided, single submitter. Criteria: Invitae Variant Classification Sherloc (09022015). Collection method: clinical testing. Allele origin: germline.

GeneDx
Classification: Likely benign. Last evaluated: 2016-12-08. Review status: criteria provided, single submitter. Criteria: GeneDx Variant Classification (06012015). Collection method: clinical testing. Allele origin: germline. Affected: yes.
Comment: This variant is considered likely benign or benign based on one or more of the following criteria: it is a conservative change, it occurs at a poorly conserved position in the protein, it is predicted to be benign by multiple in silico algorithms, and/or has population frequency not consistent with disease.